The following is an entry in ClinVar:

ClinVar aggregate classification (germline): Pathogenic (1 of 4 stars; one submission).

Conditions:
Hereditary spastic paraplegia 11. Also called: SPASTIC PARAPLEGIA, AUTOSOMAL RECESSIVE, COMPLICATED, WITH THIN CORPUS CALLOSUM; SPASTIC PARAPLEGIA, AUTOSOMAL RECESSIVE, WITH MENTAL IMPAIRMENT AND THIN CORPUS CALLOSUM; Nakamura Osame syndrome; Autosomal recessive hereditary spastic paraplegia, mental impairment, and thin corpus callosum; Spastic paraplegia, mental retardation and thin corpus callosum; Spastic Paraplegia 11. Identifiers: Orphanet 2822, MedGen C1858479, MONDO:0011445, OMIM 604360.

Submission:

Labcorp Genetics (formerly Invitae), Labcorp
Classification: Pathogenic for Hereditary spastic paraplegia 11. Last evaluated: 2024-06-03. Review status: criteria provided, single submitter. Criteria: Invitae Variant Classification Sherloc (09022015). Collection method: clinical testing. Allele origin: germline.
Comment: This variant, c.6158_6163del, results in the deletion of 2 amino acid(s) of the SPG11 protein (p.Val2053_Ala2054del), but otherwise preserves the integrity of the reading frame. This variant is not present in population databases (gnomAD no frequency). This variant has not been reported in the literature in individuals affected with SPG11-related conditions. This variant disrupts a region of the SPG11 protein in which other variant(s) (p.Val2053Met) have been determined to be pathogenic (PMID: 17717710, 19196735, 20110243, 24833714, 34153142). This suggests that this is a clinically significant region of the protein, and that variants that disrupt it are likely to be disease-causing. For these reasons, this variant has been classified as Pathogenic.

Literature cited by the submitters: PubMed 17717710; PubMed 19196735; PubMed 20110243; PubMed 24833714; PubMed 34153142.

NM_025137.4(SPG11):c.6158_6163del (p.Val2053_Ala2054del)

Gene: SPG11 (SPG11 vesicle trafficking associated, spatacsin; minus strand). Cytogenetic location: 15q21.1.
Variant type: Deletion.
Coding change: c.6158_6163del on transcript NM_025137.4 (MANE Select); coding-DNA positions 6158 to 6163, 6 bases deleted (TGGCAG; older notation c.6158_6163delTGGCAG).
Protein change: p.Val2053_Ala2054del.
Molecular consequence: inframe deletion. On other transcripts: intron variant (1).
Genome position (GRCh38, 1-based): chr15:44,573,589-44,573,594, CTGCCA deleted on the plus strand (TGGCAG on the coding strand, the reverse complement: SPG11 is on the minus strand); deleting any 6 consecutive bases within chr15:44,573,589-44,573,595 gives the same sequence; the c. name uses the placement nearest the transcript's 3' end. VCF-style (leftmost placement, unchanged base first): chr15-44573588-TCTGCCA-T. GRCh37 (hg19) VCF-style: chr15-44865786-TCTGCCA-T.
Other names: c.6014_6019del, p.Val2005_Ala2006del (NM_001411132.1); c.5867-774_5867-769del (NM_001160227.2).
Identifiers: ClinVar variation 2854803 (VCV002854803.3), dbSNP rs2505229607, ClinGen allele CA2739279738.